The following is an entry in ClinVar:

NM_001048174.2(MUTYH):c.865C>G (p.Leu289Val)

Gene: MUTYH (mutY DNA glycosylase; minus strand). Cytogenetic location: 1p34.1.
Variant type: single nucleotide variant.
Coding change: c.865C>G on transcript NM_001048174.2 (MANE Select); coding-DNA position 865, C replaced by G.
Protein change: p.Leu289Val; replaces leucine 289 with valine.
Molecular consequence: missense variant. On other transcripts: non-coding transcript variant (7).
Genome position (GRCh38, 1-based): chr1:45,332,071, G>C on the plus strand (C>G on the coding strand, the complement: MUTYH is on the minus strand). VCF-style: chr1-45332071-G-C. GRCh37 (hg19) VCF-style: chr1-45797743-G-C.
Other names: c.865C>G, p.Leu289Val (NM_001048171.2, NM_001048173.2, NM_001293195.2 and 6 more transcripts); c.868C>G, p.Leu290Val (NM_001048172.2, NM_001407071.1, NM_001407078.1 and 1 more transcripts); c.949C>G, p.Leu317Val (NM_001128425.2); c.910C>G, p.Leu304Val (NM_001293190.2); c.898C>G, p.Leu300Val (NM_001293191.2, NM_001407069.1, NM_001407077.1); c.589C>G, p.Leu197Val (NM_001293192.2, NM_001293196.2, NM_001407091.1); c.520C>G, p.Leu174Val (NM_001350650.2, NM_001350651.2, NM_001407082.1); c.781C>G, p.Leu261Val (NM_001407075.1); and 5 more; short protein forms L296V, L304V, L174V, L290V, L314V, L317V, L275V, L289V.
Identifiers: ClinVar variation 4113941 (VCV004113941.1).

ClinVar aggregate classification (germline): Uncertain significance (1 of 4 stars; one submission).

Conditions:
Hereditary cancer-predisposing syndrome. Also called: Hereditary neoplastic syndrome; Neoplastic Syndromes, Hereditary; Tumor predisposition; Hereditary Cancer Syndrome. Identifiers: Orphanet 140162, MedGen C0027672, MeSH D009386, MONDO:0015356.

Submission:

Ambry Genetics
Classification: Uncertain significance for Hereditary cancer-predisposing syndrome. Last evaluated: 2025-08-27. Review status: criteria provided, single submitter. Criteria: Ambry Variant Classification Scheme 2023. Collection method: clinical testing. Allele origin: germline.
Comment: The p.L317V variant (also known as c.949C>G), located in coding exon 11 of the MUTYH gene, results from a C to G substitution at nucleotide position 949. The leucine at codon 317 is replaced by valine, an amino acid with highly similar properties. This amino acid position is conserved. In addition, this alteration is predicted to be tolerated by in silico analysis. Based on the available evidence, the clinical significance of this variant remains unclear.